The following is an entry in ClinVar:

ClinVar aggregate classification (germline): Conflicting classifications of pathogenicity. Review status: criteria provided, conflicting classifications (1 of 4 stars). 4 submissions from 4 submitters: Uncertain significance (3); Likely benign (1). Last evaluated 2025-09-09.

Conditions:
Hereditary cancer-predisposing syndrome. Also called: Neoplastic Syndromes, Hereditary; Hereditary neoplastic syndrome; Tumor predisposition; Hereditary Cancer Syndrome. Identifiers: Orphanet 140162, MedGen C0027672, MeSH D009386, MONDO:0015356.
Gorlin syndrome. Also called: Nevoid Basal Cell Carcinoma Syndrome; Basal cell nevus syndrome. Identifiers: Orphanet 377, MedGen C0004779, MONDO:0007187.

Allele frequency attached by ClinVar (database versions not stated): gnomAD 0.00001; TOPMed 0.00001.
gnomAD v4.1: 2 of 1,613,372 alleles (0.00012%); highest among the groups gnomAD compares: Non-Finnish European, 0.00017%; no homozygotes.

Submissions (4):

Labcorp Genetics (formerly Invitae), Labcorp
Classification: Uncertain significance for Gorlin syndrome. Last evaluated: 2025-09-09. Review status: criteria provided, single submitter. Criteria: Invitae Variant Classification Sherloc (09022015). Collection method: clinical testing. Allele origin: germline.
Comment: This sequence change replaces aspartic acid, which is acidic and polar, with glutamic acid, which is acidic and polar, at codon 1305 of the PTCH1 protein (p.Asp1305Glu). This variant is not present in population databases (gnomAD no frequency). This variant has not been reported in the literature in individuals affected with PTCH1-related conditions. ClinVar contains an entry for this variant (Variation ID: 188299). Invitae Evidence Modeling of protein sequence and biophysical properties (such as structural, functional, and spatial information, amino acid conservation, physicochemical variation, residue mobility, and thermodynamic stability) indicates that this missense variant is not expected to disrupt PTCH1 protein function with a negative predictive value of 95%. In summary, the available evidence is currently insufficient to determine the role of this variant in disease. Therefore, it has been classified as a Variant of Uncertain Significance.

Dasa
Classification: Uncertain significance. Last evaluated: 2025-03-01. Review status: criteria provided, single submitter. Criteria: DASA Assertion Criteria. Collection method: clinical testing. Allele origin: germline.
Comment: NM_000264.5(PTCH1):c.3915C>A (p.Asp1305Glu) is a missense variant that results in the substitution of aspartic acid with glutamic acid. This variant is rare in population databases. Computational prediction algorithms are consistent with a benign effect. The currently available literature and clinical evidence are not sufficient to establish a definitive association between this variant and the reported condition. Therefore, this variant is classified as a variant of uncertain significance.

GeneDx
Classification: Uncertain significance. Last evaluated: 2022-03-03. Review status: criteria provided, single submitter. Criteria: GeneDx Variant Classification Process June 2021. Collection method: clinical testing. Allele origin: germline. Affected: yes.
Comment: Not observed at significant frequency in large population cohorts (gnomAD); In silico analysis supports that this missense variant does not alter protein structure/function; Has not been previously published as pathogenic or benign to our knowledge

Ambry Genetics
Classification: Likely benign for Hereditary cancer-predisposing syndrome. Last evaluated: 2021-11-08. Review status: criteria provided, single submitter. Criteria: Ambry Variant Classification Scheme 2023. Collection method: clinical testing. Allele origin: germline.

NM_000264.5(PTCH1):c.3915C>A (p.Asp1305Glu)

Gene: PTCH1 (patched 1; minus strand). Cytogenetic location: 9q22.32.
Variant type: single nucleotide variant.
Coding change: c.3915C>A on transcript NM_000264.5 (MANE Select); coding-DNA position 3915, C replaced by A.
Protein change: p.Asp1305Glu; replaces aspartic acid 1305 with glutamic acid.
Molecular consequence: missense variant. On other transcripts: non-coding transcript variant (1).
Genome position (GRCh38, 1-based): chr9:95,447,341, G>T on the plus strand (C>A on the coding strand, the complement: PTCH1 is on the minus strand). VCF-style: chr9-95447341-G-T. GRCh37 (hg19) VCF-style: chr9-98209623-G-T.
Other names: c.3717C>A, p.Asp1239Glu (NM_001083602.3); c.3912C>A, p.Asp1304Glu (NM_001083603.3); c.3462C>A, p.Asp1154Glu (NM_001083604.3, NM_001083605.3, NM_001083606.3 and 1 more transcripts); c.3759C>A, p.Asp1253Glu (NM_001354918.2); short protein forms D1239E, D1305E, D1154E, D1304E, D1253E.
Identifiers: ClinVar variation 188299 (VCV000188299.14), dbSNP rs786204201, ClinGen allele CA334555.